The following is an entry in ClinVar:

NM_001211.6(BUB1B):c.1774A>G (p.Ile592Val)

Gene: BUB1B (BUB1 mitotic checkpoint serine/threonine kinase B; plus strand). Cytogenetic location: 15q15.1.
Variant type: single nucleotide variant.
Coding change: c.1774A>G on transcript NM_001211.6 (MANE Select); coding-DNA position 1774, A replaced by G.
Protein change: p.Ile592Val; replaces isoleucine 592 with valine.
Molecular consequence: missense variant.
Genome position (GRCh38, 1-based): chr15:40,206,223, A>G. VCF-style: chr15-40206223-A-G. GRCh37 (hg19) VCF-style: chr15-40498424-A-G.
Other names: short protein forms I592V.
Identifiers: ClinVar variation 1987893 (VCV001987893.4), dbSNP rs1225598259, ClinGen allele CA391692309.
Genomic context (GRCh38, chr15:40,206,223, plus strand): 5'-TTTATATGGTCTTTATTTCAGGATGAATTTACAGGAATTGAACCCTTGAGCGAGGATGCC[A>G]TTATCACAGGCTTCAGAAATGTAACAATTTGTCCTAACCCAGAAGACACTTGTGACTTTG-3'
Protein context (NP_001202.5, residues 582-602): TGIEPLSEDA[Ile592Val]ITGFRNVTIC

ClinVar aggregate classification (germline): Uncertain significance (1 of 4 stars; one submission).

Conditions:
Mosaic variegated aneuploidy syndrome 1 (MVA1). Also called: Warburton-Anyane-Yeboa syndrome. Identifiers: Orphanet 1052, MedGen C1850343, MONDO:0009759, OMIM 257300.

Allele frequency attached by ClinVar (database versions not stated): gnomAD exomes below 0.00001.
gnomAD v4.1: 4 of 1,614,228 alleles (0.00025%); highest among the groups gnomAD compares: Non-Finnish European, 0.00034%; no homozygotes.

Submission:

Labcorp Genetics (formerly Invitae), Labcorp
Classification: Uncertain significance for Mosaic variegated aneuploidy syndrome 1. Last evaluated: 2025-06-29. Review status: criteria provided, single submitter. Criteria: Invitae Variant Classification Sherloc (09022015). Collection method: clinical testing. Allele origin: germline.
Comment: This sequence change replaces isoleucine, which is neutral and non-polar, with valine, which is neutral and non-polar, at codon 592 of the BUB1B protein (p.Ile592Val). This variant is present in population databases (no rsID available, gnomAD 0.0009%). This variant has not been reported in the literature in individuals affected with BUB1B-related conditions. ClinVar contains an entry for this variant (Variation ID: 1987893). An algorithm developed to predict the effect of missense changes on protein structure and function (PolyPhen-2) suggests that this variant is likely to be tolerated. In summary, the available evidence is currently insufficient to determine the role of this variant in disease. Therefore, it has been classified as a Variant of Uncertain Significance.